The following is an entry in ClinVar:

NM_004104.5(FASN):c.4919+1G>A

Gene: FASN (fatty acid synthase; minus strand). Cytogenetic location: 17q25.3.
Variant type: single nucleotide variant.
Coding change: c.4919+1G>A on transcript NM_004104.5 (MANE Select); the canonical splice donor site of the intron after coding-DNA position 4919, G replaced by A.
Molecular consequence: splice donor variant.
Genome position (GRCh38, 1-based): chr17:82,084,233, C>T on the plus strand (G>A on the coding strand, the complement: FASN is on the minus strand). VCF-style: chr17-82084233-C-T. GRCh37 (hg19) VCF-style: chr17-80042109-C-T.
Identifiers: ClinVar variation 4804737 (VCV004804737.1).

ClinVar aggregate classification (germline): Uncertain significance (1 of 4 stars; one submission).

Conditions:
Epileptic encephalopathy. Identifiers: MedGen C0543888, HP:0200134.

Submission:

Labcorp Genetics (formerly Invitae), Labcorp
Classification: Uncertain significance for Epileptic encephalopathy. Last evaluated: 2025-05-07. Review status: criteria provided, single submitter. Criteria: Invitae Variant Classification Sherloc (09022015). Collection method: clinical testing. Allele origin: germline.
Comment: This sequence change affects a donor splice site in intron 28 of the FASN gene. It is expected to disrupt RNA splicing. Variants that disrupt the donor or acceptor splice site typically lead to a loss of protein function (PMID: 16199547), however the current clinical and genetic evidence is not sufficient to establish whether loss-of-function variants in FASN cause disease. This variant is not present in population databases (gnomAD no frequency). This variant has not been reported in the literature in individuals affected with FASN-related conditions. Algorithms developed to predict the effect of sequence changes on RNA splicing suggest that this variant may disrupt the consensus splice site. In summary, the available evidence is currently insufficient to determine the role of this variant in disease. Therefore, it has been classified as a Variant of Uncertain Significance.

Literature cited by the submitters: PubMed 16199547.